The following is an entry in ClinVar:

ClinVar aggregate classification (germline): Likely benign. Review status: criteria provided, multiple submitters, no conflicts (2 of 4 stars). 5 submissions from 5 submitters: Likely benign (4). 1 of the submissions does not count toward it. Last evaluated 2025-11-25.

Conditions:
MYO5B-related disorder. Also called: MYO5B-related condition.

Allele frequency attached by ClinVar (database versions not stated): gnomAD exomes 0.00006 and 0.00018; ExAC 0.00009; 1000 Genomes Project 30x 0.00031; 1000 Genomes Project 0.00040; TOPMed 0.00056; ESP Exome Variant Server 0.00057; gnomAD 0.00065 and 0.00068.

Submissions (5):

Labcorp Genetics (formerly Invitae), Labcorp
Classification: Likely benign. Last evaluated: 2025-11-25. Review status: criteria provided, single submitter. Criteria: Invitae Variant Classification Sherloc (09022015). Collection method: clinical testing. Allele origin: germline.

Blueprint Genetics
Classification: Likely benign. Last evaluated: 2024-08-23. Review status: criteria provided, single submitter. Criteria: ACMG Guidelines, 2015. Collection method: clinical testing. Allele origin: germline.

CeGaT Center for Human Genetics Tuebingen
Classification: Likely benign. Last evaluated: 2024-07-01. Review status: criteria provided, single submitter. Criteria: CeGaT Center For Human Genetics Tuebingen Variant Classification Criteria Version 2. Collection method: clinical testing. Allele origin: germline. Affected: yes. Observed: 1 variant allele.
Comment: MYO5B: BP4, BP7

Breakthrough Genomics
Classification: Likely benign. Review status: criteria provided, single submitter. Criteria: ACMG Guidelines, 2015. Collection method: not provided. Allele origin: germline. Inheritance: Autosomal recessive inheritance. Affected: yes.

PreventionGenetics, part of Exact Sciences
Classification: Likely benign for MYO5B-related condition. Last evaluated: 2021-10-01. Review status: no assertion criteria provided. Collection method: clinical testing. Allele origin: germline. Not counted in ClinVar's aggregate classification.
Comment: This variant is classified as likely benign based on ACMG/AMP sequence variant interpretation guidelines (Richards et al. 2015 PMID: 25741868, with internal and published modifications).

NM_001080467.3(MYO5B):c.1017G>A (p.Ala339=)

Gene: MYO5B (myosin VB; minus strand). Cytogenetic location: 18q21.1.
Variant type: single nucleotide variant.
Coding change: c.1017G>A on transcript NM_001080467.3 (MANE Select); coding-DNA position 1017, G replaced by A.
Protein change: p.Ala339=; no amino-acid change (alanine 339 retained).
Molecular consequence: synonymous variant.
Genome position (GRCh38, 1-based): chr18:49,980,483, C>T on the plus strand (G>A on the coding strand, the complement: MYO5B is on the minus strand). VCF-style: chr18-49980483-C-T. GRCh37 (hg19) VCF-style: chr18-47506853-C-T.
Other names: c.1017G>A (NM_001080467.2).
Identifiers: ClinVar variation 1132639 (VCV001132639.30), dbSNP rs139934455, ClinGen allele CA8961681.